The following is an entry in ClinVar:

ClinVar aggregate classification (germline): Likely pathogenic (1 of 4 stars; one submission).

Allele frequency attached by ClinVar (database versions not stated): gnomAD exomes below 0.00001.
gnomAD v4.1: 1 of 1,612,038 alleles (0.000062%); highest among the groups gnomAD compares: Non-Finnish European, 0.000085%; no homozygotes.

Submission:

GeneDx
Classification: Likely pathogenic. Last evaluated: 2026-01-16. Review status: criteria provided, single submitter. Criteria: GeneDx Variant Classification Process June 2021. Collection method: clinical testing. Allele origin: germline. Affected: yes.
Comment: Not observed at significant frequency in large population cohorts (gnomAD); In silico analysis supports that this missense variant has a deleterious effect on protein structure/function; Has not been previously published as pathogenic or benign to our knowledge; This substitution is predicted to be within the extracellular loop between the S5 and S6 transmembrane segments of the third homologous domain

NM_001165963.4(SCN1A):c.4107T>G (p.Phe1369Leu)

Genes: SCN1A (sodium voltage-gated channel alpha subunit 1; minus strand), LOC102724058 (uncharacterized LOC102724058; plus strand). Cytogenetic location: 2q24.3.
Variant type: single nucleotide variant.
Coding change: c.4107T>G on transcript NM_001165963.4 (MANE Select); coding-DNA position 4107, T replaced by G.
Protein change: p.Phe1369Leu; replaces phenylalanine 1369 with leucine.
Molecular consequence: missense variant. On other transcripts: non-coding transcript variant (1).
Genome position (GRCh38, 1-based): chr2:166,002,649, A>C on the plus strand (T>G on the coding strand, the complement: SCN1A is on the minus strand). VCF-style: chr2-166002649-A-C. GRCh37 (hg19) VCF-style: chr2-166859159-A-C.
Other names: c.4023T>G, p.Phe1341Leu (NM_001165964.3, NM_001353957.2, NM_001353958.2); c.4107T>G, p.Phe1369Leu (NM_001202435.3, NM_001353948.2); c.4074T>G, p.Phe1358Leu (NM_001353949.2, NM_001353950.2, NM_001353951.2 and 2 more transcripts); c.4071T>G, p.Phe1357Leu (NM_001353954.2, NM_001353955.2); c.4020T>G, p.Phe1340Leu (NM_001353960.2); c.1665T>G, p.Phe555Leu (NM_001353961.2); short protein forms F1340L, F1341L, F1357L, F1358L, F1369L, F555L.
Identifiers: ClinVar variation 1219381 (VCV001219381.4), dbSNP rs2105509616, ClinGen allele CA349050434.
Genomic context (GRCh38, chr2:166,002,649, plus strand): 5'-GTCTTCGATGTCAAACCTGTCACCAGTTGTGGTGTTAATACAGTGGTAGAATTTGCCAGC[A>C]AACAAATTTACGCCCATGATGCTGAAAATTAGCCAGAATATAAGACAAACCAGAAGCACA-3'
Protein context (NP_001159435.1, residues 1359-1379): LIFSIMGVNL[Phe1369Leu]AGKFYHCINT